The following is an entry in ClinVar:

ClinVar aggregate classification (germline): Uncertain significance (1 of 4 stars; one submission).

Conditions:
Pontocerebellar hypoplasia type 6 (PCH6). Identifiers: Orphanet 166073, MedGen C1969084, MONDO:0012683, OMIM 611523.

gnomAD v4.1: 7 of 1,612,664 alleles (0.00043%); highest among the groups gnomAD compares: South Asian, 0.0066%; no homozygotes.

Submission:

Neuberg Centre For Genomic Medicine, NCGM
Classification: Uncertain significance for Pontocerebellar hypoplasia type 6. Last evaluated: 2023-05-20. Review status: criteria provided, single submitter. Criteria: ACMG Guidelines, 2015. Collection method: clinical testing. Allele origin: germline. Inheritance: Autosomal recessive inheritance. Affected: yes.
Comment: The observed missense c.602A>G(p.His201Arg) variant in RARS2 gene has not been reported previously as a pathogenic variant nor as a benign variant, to our knowledge. This variant is reported with the allele frequency of 0.0008% in the gnomAD Exomes. The amino acid His at position 201 is changed to a Arg changing protein sequence and it might alter its composition and physico-chemical properties. The amino acid change p.His201Arg in RARS2 is predicted as conserved by GERP++ and PhyloP across 100 vertebrates. Multiple lines of computational evidence (Polyphen - Damaging, SIFT - Damaging, and MutationTaster - Disease causing) predict a damaging effect on protein structure and function for this variant. For these reasons, this variant has been classified as Uncertain Significance.

NM_020320.5(RARS2):c.602A>G (p.His201Arg)

Gene: RARS2 (arginyl-tRNA synthetase 2, mitochondrial; minus strand). Cytogenetic location: 6q15.
Variant type: single nucleotide variant.
Coding change: c.602A>G on transcript NM_020320.5 (MANE Select); coding-DNA position 602, A replaced by G.
Protein change: p.His201Arg; replaces histidine 201 with arginine.
Molecular consequence: missense variant. On other transcripts: non-coding transcript variant (18).
Genome position (GRCh38, 1-based): chr6:87,541,928, T>C on the plus strand (A>G on the coding strand, the complement: RARS2 is on the minus strand). VCF-style: chr6-87541928-T-C. GRCh37 (hg19) VCF-style: chr6-88251646-T-C.
Other names: c.77A>G, p.His26Arg (NM_001350506.2, NM_001350507.2, NM_001350508.2 and 4 more transcripts); c.602A>G, p.His201Arg (NM_001350505.2); short protein forms H201R, H26R.
Identifiers: ClinVar variation 3367135 (VCV003367135.1).